The following is an entry in ClinVar:

NM_001184.4(ATR):c.7399G>A (p.Val2467Ile)

Gene: ATR (ATR checkpoint kinase; minus strand). Cytogenetic location: 3q23.
Variant type: single nucleotide variant.
Coding change: c.7399G>A on transcript NM_001184.4 (MANE Select); coding-DNA position 7399, G replaced by A.
Protein change: p.Val2467Ile; replaces valine 2467 with isoleucine.
Molecular consequence: missense variant.
Genome position (GRCh38, 1-based): chr3:142,459,062, C>T on the plus strand (G>A on the coding strand, the complement: ATR is on the minus strand). VCF-style: chr3-142459062-C-T. GRCh37 (hg19) VCF-style: chr3-142177904-C-T.
Other names: c.7207G>A, p.Val2403Ile (NM_001354579.2); short protein forms V2467I, V2403I.
Identifiers: ClinVar variation 931877 (VCV000931877.7), dbSNP rs144887641, ClinGen allele CA2649140.
Genomic context (GRCh38, chr3:142,459,062, plus strand): 5'-TCAAAGAATCAAAGAGAATATTTTCACCATGACGGTCTCCAAGCCCCAGAATATAACCAA[C>T]CATTGACATTACTGCAGTGGAACGGCAGTAAGCTGATCTACTACTGTACCTAAAAGAAAC-3'
Protein context (NP_001175.2, residues 2457-2477): YCRSTAVMSM[Val2467Ile]GYILGLGDRH

ClinVar aggregate classification (germline): Uncertain significance. Review status: criteria provided, multiple submitters, no conflicts (2 of 4 stars). 4 submissions from 3 submitters: Uncertain significance (4). Last evaluated 2024-05-12.

Conditions:
Seckel syndrome 1 (SCKL1). Also called: MICROCEPHALIC PRIMORDIAL DWARFISM I. Identifiers: Orphanet 808, MedGen C4551474, MONDO:0008869, OMIM 210600.
Familial cutaneous telangiectasia and oropharyngeal predisposition cancer syndrome. Identifiers: Orphanet 313846, MedGen C3281203, MONDO:0013806, OMIM 614564.
Inborn genetic diseases. Identifiers: MedGen C0950123, MeSH D030342.

Allele frequency attached by ClinVar (database versions not stated): gnomAD exomes below 0.00001 and 0.00001; ExAC 0.00001; TOPMed 0.00002; ESP Exome Variant Server 0.00008.
gnomAD v4.1: 15 of 1,614,012 alleles (0.00093%); highest among the groups gnomAD compares: Non-Finnish European, 0.0013%; no homozygotes.

Submissions (4):

Ambry Genetics
Classification: Uncertain significance for Inborn genetic diseases. Last evaluated: 2024-05-12. Review status: criteria provided, single submitter. Criteria: Ambry Variant Classification Scheme 2023. Collection method: clinical testing. Allele origin: germline.
Comment: The p.V2467I variant (also known as c.7399G>A), located in coding exon 44 of the ATR gene, results from a G to A substitution at nucleotide position 7399. The valine at codon 2467 is replaced by isoleucine, an amino acid with highly similar properties. This amino acid position is conserved. In addition, the in silico prediction for this alteration is inconclusive. Since supporting evidence is limited at this time, the clinical significance of this alteration remains unclear.

Genome-Nilou Lab
Classification: Uncertain significance for Seckel syndrome 1. Last evaluated: 2023-02-08. Review status: criteria provided, single submitter. Criteria: ACMG Guidelines, 2015. Collection method: clinical testing. Allele origin: germline.

Genome-Nilou Lab
Classification: Uncertain significance for Familial cutaneous telangiectasia and oropharyngeal predisposition cancer syndrome. Last evaluated: 2023-02-08. Review status: criteria provided, single submitter. Criteria: ACMG Guidelines, 2015. Collection method: clinical testing. Allele origin: germline.

Centre for Mendelian Genomics, University Medical Centre Ljubljana
Classification: Uncertain significance for Seckel syndrome 1. Last evaluated: 2018-11-08. Review status: criteria provided, single submitter. Criteria: ACMG Guidelines, 2015. Collection method: clinical testing. Allele origin: unknown. Affected: yes.
Comment: This variant was classified as: Uncertain significance. The available evidence on this variant's pathogenicity is insufficient or conflicting. The following ACMG criteria were applied in classifying this variant: PM2,PP3.